The following is an entry in ClinVar:

NM_004855.5(PIGB):c.1618T>C (p.Tyr540His)

Genes: CCPG1 (cell cycle progression 1; minus strand), DNAAF4-CCPG1 (DNAAF4-CCPG1 readthrough (NMD candidate); minus strand), PIGB (phosphatidylinositol glycan anchor biosynthesis class B; plus strand). Cytogenetic location: 15q21.3.
Variant type: single nucleotide variant.
Coding change: c.1618T>C on transcript NM_004855.5 (MANE Select); coding-DNA position 1618, T replaced by C.
Protein change: p.Tyr540His; replaces tyrosine 540 with histidine.
Molecular consequence: missense variant. On other transcripts: non-coding transcript variant (1), 3 prime UTR variant (4).
Genome position (GRCh38, 1-based): chr15:55,355,385, T>C. VCF-style: chr15-55355385-T-C. GRCh37 (hg19) VCF-style: chr15-55647583-T-C.
Other names: c.*835A>G (NM_001204450.2, NM_001204451.2); c.*4114A>G (NM_004748.6, NM_020739.5); short protein forms Y540H.
Identifiers: ClinVar variation 1976422 (VCV001976422.4), dbSNP rs919526409, ClinGen allele CA270769036.
Genomic context (GRCh38, chr15:55,355,385, plus strand): 5'-ACTGCTGTTTTCTTCCACACTCACTTGCCAGAGGGTCGAATTGGAAGTCACATATATGTC[T>C]ATGAACGGAAGTTAAAAGGGAAATTCAACATGAAGATGAAATTCTGAACTTTCCTAGATA-3'
Protein context (NP_004846.4, residues 530-550): EGRIGSHIYV[Tyr540His]ERKLKGKFNM

ClinVar aggregate classification (germline): Uncertain significance (1 of 4 stars; one submission).

Submission:

Labcorp Genetics (formerly Invitae), Labcorp
Classification: Uncertain significance. Last evaluated: 2026-01-12. Review status: criteria provided, single submitter. Criteria: Invitae Variant Classification Sherloc (09022015). Collection method: clinical testing. Allele origin: germline.
Comment: This sequence change replaces tyrosine, which is neutral and polar, with histidine, which is basic and polar, at codon 540 of the PIGB protein (p.Tyr540His). This variant is not present in population databases (gnomAD no frequency). This variant has not been reported in the literature in individuals affected with PIGB-related conditions. ClinVar contains an entry for this variant (Variation ID: 1976422). Invitae Evidence Modeling of protein sequence and biophysical properties (such as structural, functional, and spatial information, amino acid conservation, physicochemical variation, residue mobility, and thermodynamic stability) indicates that this missense variant is not expected to disrupt PIGB protein function with a negative predictive value of 80%. In summary, the available evidence is currently insufficient to determine the role of this variant in disease. Therefore, it has been classified as a Variant of Uncertain Significance.